The following is an entry in ClinVar:

ClinVar aggregate classification (germline): Uncertain significance. Review status: criteria provided, multiple submitters, no conflicts (2 of 4 stars). 4 submissions from 4 submitters: Uncertain significance (4). Last evaluated 2025-11-05.

Conditions:
Hereditary pheochromocytoma and paraganglioma. Also called: Hereditary Paraganglioma-Pheochromocytoma Syndromes; Hereditary paragangliomas and pheochromocytomas; Hereditary pheochromocytoma-paraganglioma. Identifiers: Orphanet 29072, MedGen C4274332, MONDO:0017366.
Hereditary cancer-predisposing syndrome. Also called: Tumor predisposition; Hereditary neoplastic syndrome; Neoplastic Syndromes, Hereditary; Hereditary Cancer Syndrome. Identifiers: Orphanet 140162, MedGen C0027672, MeSH D009386, MONDO:0015356.
Pheochromocytoma/paraganglioma syndrome 3. Also called: SDHC-Related Hereditary Paraganglioma-Pheochromocytoma Syndrome (Paragangliomas 3); GLOMUS TUMORS, FAMILIAL, 3; SDHC-Related Hereditary Paraganglioma-Pheochromocytoma Syndrome; Paragangliomas 3. Identifiers: Orphanet 29072, MedGen C1854336, MONDO:0011544, OMIM 605373.
Gastrointestinal stromal tumor. Also called: Gastrointestinal stroma tumor; Gastrointestinal stromal tumor, somatic. Identifiers: Orphanet 44890, MedGen C0238198, MeSH D046152, MONDO:0011719, OMIM 606764, HP:0100723.

Allele frequency attached by ClinVar (database versions not stated): gnomAD 0.00001; gnomAD exomes 0.00001; TOPMed 0.00001.
gnomAD v4.1: 15 of 1,613,736 alleles (0.00093%); highest among the groups gnomAD compares: Non-Finnish European, 0.0012%; no homozygotes.

Submissions (4):

Labcorp Genetics (formerly Invitae), Labcorp
Classification: Uncertain significance for Pheochromocytoma/paraganglioma syndrome 3; Gastrointestinal stromal tumor. Last evaluated: 2025-11-05. Review status: criteria provided, single submitter. Criteria: Invitae Variant Classification Sherloc (09022015). Collection method: clinical testing. Allele origin: germline.
Comment: This sequence change replaces threonine, which is neutral and polar, with isoleucine, which is neutral and non-polar, at codon 74 of the SDHC protein (p.Thr74Ile). This variant is not present in population databases (gnomAD no frequency). This variant has not been reported in the literature in individuals affected with SDHC-related conditions. ClinVar contains an entry for this variant (Variation ID: 465964). Invitae Evidence Modeling of protein sequence and biophysical properties (such as structural, functional, and spatial information, amino acid conservation, physicochemical variation, residue mobility, and thermodynamic stability) indicates that this missense variant is expected to disrupt SDHC protein function with a positive predictive value of 80%. In summary, the available evidence is currently insufficient to determine the role of this variant in disease. Therefore, it has been classified as a Variant of Uncertain Significance.

Color Diagnostics, LLC DBA Color Health
Classification: Uncertain significance for Hereditary pheochromocytoma and paraganglioma. Last evaluated: 2025-06-23. Review status: criteria provided, single submitter. Criteria: ACMG Guidelines, 2015. Collection method: clinical testing. Allele origin: germline.
Comment: This missense variant replaces threonine with isoleucine at codon 74 of the SDHC protein. Computational prediction suggests that this variant may have deleterious impact on protein structure and function. To our knowledge, functional studies have not been reported for this variant. This variant has not been reported in individuals affected with SDHC-related disorders in the literature. This variant has not been identified in the general population by the Genome Aggregation Database (gnomAD). The available evidence is insufficient to determine the role of this variant in disease conclusively. Therefore, this variant is classified as a Variant of Uncertain Significance.

Ambry Genetics
Classification: Uncertain significance for Hereditary cancer-predisposing syndrome. Last evaluated: 2024-12-03. Review status: criteria provided, single submitter. Criteria: Ambry Variant Classification Scheme 2023. Collection method: clinical testing. Allele origin: germline.
Comment: The p.T74I variant (also known as c.221C>T), located in coding exon 4 of the SDHC gene, results from a C to T substitution at nucleotide position 221. The threonine at codon 74 is replaced by isoleucine, an amino acid with similar properties. This amino acid position is well conserved in available vertebrate species. In addition, this alteration is predicted to be deleterious by in silico analysis. Since supporting evidence is limited at this time, the clinical significance of this alteration remains unclear.

GeneDx
Classification: Uncertain significance. Last evaluated: 2022-07-28. Review status: criteria provided, single submitter. Criteria: GeneDx Variant Classification Process June 2021. Collection method: clinical testing. Allele origin: germline. Affected: yes.
Comment: Not observed at significant frequency in large population cohorts (gnomAD); In silico analysis supports that this missense variant has a deleterious effect on protein structure/function; Has not been previously published as pathogenic or benign to our knowledge

NM_003001.5(SDHC):c.221C>T (p.Thr74Ile)

Gene: SDHC (succinate dehydrogenase complex subunit C; plus strand). Cytogenetic location: 1q23.3.
Variant type: single nucleotide variant.
Coding change: c.221C>T on transcript NM_003001.5 (MANE Select); coding-DNA position 221, C replaced by T.
Protein change: p.Thr74Ile; replaces threonine 74 with isoleucine.
Molecular consequence: missense variant.
Genome position (GRCh38, 1-based): chr1:161,340,635, C>T. VCF-style: chr1-161340635-C-T. GRCh37 (hg19) VCF-style: chr1-161310425-C-T.
Other names: c.221C>T, p.Thr74Ile (NM_001035511.3); c.119C>T, p.Thr40Ile (NM_001035512.3, NM_001278172.3, NM_001407118.1); c.62C>T, p.Thr21Ile (NM_001035513.3); c.341C>T, p.Thr114Ile (NM_001407115.1); c.164C>T, p.Thr55Ile (NM_001407116.1, NM_001407117.1, NM_001407121.1); c.110C>T, p.Thr37Ile (NM_001407119.1, NM_001407120.1); short protein forms T74I, T40I, T21I, T114I, T55I, T37I.
Identifiers: ClinVar variation 465964 (VCV000465964.25), dbSNP rs1332910409, ClinGen allele CA343365994.